The following is an entry in ClinVar:

NM_001876.4(CPT1A):c.2T>G (p.Met1Arg)

Gene: CPT1A (carnitine palmitoyltransferase 1A; minus strand). Cytogenetic location: 11q13.3.
Variant type: single nucleotide variant.
Coding change: c.2T>G on transcript NM_001876.4 (MANE Select); coding-DNA position 2, T replaced by G.
Protein change: p.Met1Arg; changes the start codon (methionine 1).
Molecular consequence: missense variant, initiator codon variant.
Genome position (GRCh38, 1-based): chr11:68,815,473, A>C on the plus strand (T>G on the coding strand, the complement: CPT1A is on the minus strand). VCF-style: chr11-68815473-A-C. GRCh37 (hg19) VCF-style: chr11-68582941-A-C.
Other names: c.2T>G (NM_001876.3); c.2T>G, p.Met1Arg (NM_001031847.3); short protein forms M1R.
Identifiers: ClinVar variation 1969741 (VCV001969741.7), dbSNP rs2495696275, ClinGen allele CA381638517.
Genomic context (GRCh38, chr11:68,815,473, plus strand): 5'-AGGTCAATCCCGTCCGGAGTGACCGTGAACTGAAAGGCCACAGCTTGGTGAGCTTCTGCC[A>C]TCTTCAGAGAGTACCTGGAAGGAGAAGGAGAAAATGTAACACAGTGGAACGTGTGACCAG-3'
Protein context (NP_001867.2, residues 1-11): [Met1Arg]AEAHQAVAFQ

ClinVar aggregate classification (germline): Pathogenic/Likely pathogenic. Review status: criteria provided, multiple submitters, no conflicts (2 of 4 stars). 2 submissions from 2 submitters: Pathogenic (1); Likely pathogenic (1). Last evaluated 2024-03-12.

Conditions:
Carnitine palmitoyl transferase 1A deficiency. Also called: Carnitine palmitoyltransferase 1A deficiency; Carnitine palmitoyltransferase type I deficiency; CPT deficiency, hepatic, type IA; CPT I DEFICIENCY; CPT DEFICIENCY, HEPATIC, TYPE I. Identifiers: Orphanet 156, MedGen C1829703, MONDO:0009705, OMIM 255120.

Submissions (2):

Natera, Inc.
Classification: Likely pathogenic for Carnitine palmitoyltransferase type I deficiency. Last evaluated: 2024-03-12. Review status: criteria provided, single submitter. Criteria: Natera Variant Classification Schema (03/2026). Collection method: clinical testing. Allele origin: germline.
Comment: The c.2T>G variant in CPT1A is predicted to result in start loss due to disruption of the initiator methionine. This variant is expected to result in nonsense mediated decay, truncation, or a dysfunctional protein product. This variant is rare in the general population with a frequency below the threshold expected for the associated phenotype(s). Given the available evidence, this variant is classified as Likely Pathogenic.

Labcorp Genetics (formerly Invitae), Labcorp
Classification: Pathogenic for Carnitine palmitoyl transferase 1A deficiency. Last evaluated: 2021-12-18. Review status: criteria provided, single submitter. Criteria: Invitae Variant Classification Sherloc (09022015). Collection method: clinical testing. Allele origin: germline.
Comment: This sequence change affects the initiator methionine of the CPT1A mRNA. The next in-frame methionine is located at codon 70. This variant is not present in population databases (gnomAD no frequency). This variant has not been reported in the literature in individuals affected with CPT1A-related conditions. This variant disrupts a region of the CPT1A protein in which other variant(s) (p.Ser34Pro) have been determined to be pathogenic (Invitae). This suggests that this is a clinically significant region of the protein, and that variants that disrupt it are likely to be disease-causing. For these reasons, this variant has been classified as Pathogenic.